The following is an entry in ClinVar:

ClinVar aggregate classification (germline): Uncertain significance. Review status: criteria provided, multiple submitters, no conflicts (2 of 4 stars). 2 submissions from 2 submitters: Uncertain significance (2). Last evaluated 2025-07-28.

Conditions:
Hereditary pulmonary alveolar proteinosis. Also called: Pulmonary surfactant metabolism dysfunction. Identifiers: Orphanet 264675, MedGen C3711368, MONDO:0012580.

Allele frequency attached by ClinVar (database versions not stated): ExAC 0.00003; TOPMed 0.00003; gnomAD exomes 0.00005; gnomAD 0.00007; 1000 Genomes Project 0.00020; 1000 Genomes Project 30x 0.00031.
gnomAD v4.1: 89 of 1,613,746 alleles (0.0055%); highest among the groups gnomAD compares: Middle Eastern, 0.033%; no homozygotes.

Submissions (2):

Labcorp Genetics (formerly Invitae), Labcorp
Classification: Uncertain significance. Last evaluated: 2025-07-28. Review status: criteria provided, single submitter. Criteria: Invitae Variant Classification Sherloc (09022015). Collection method: clinical testing. Allele origin: germline.
Comment: This sequence change replaces threonine, which is neutral and polar, with methionine, which is neutral and non-polar, at codon 1173 of the ABCA3 protein (p.Thr1173Met). This variant is present in population databases (rs117360590, gnomAD 0.009%). This variant has not been reported in the literature in individuals affected with ABCA3-related conditions. ClinVar contains an entry for this variant (Variation ID: 1732222). Invitae Evidence Modeling of protein sequence and biophysical properties (such as structural, functional, and spatial information, amino acid conservation, physicochemical variation, residue mobility, and thermodynamic stability) indicates that this missense variant is not expected to disrupt ABCA3 protein function with a negative predictive value of 80%. In summary, the available evidence is currently insufficient to determine the role of this variant in disease. Therefore, it has been classified as a Variant of Uncertain Significance.

Ambry Genetics
Classification: Uncertain significance for Hereditary pulmonary alveolar proteinosis. Last evaluated: 2021-07-27. Review status: criteria provided, single submitter. Criteria: Ambry Variant Classification Scheme 2023. Collection method: clinical testing. Allele origin: germline.
Comment: The p.T1173M variant (also known as c.3518C>T), located in coding exon 21 of the ABCA3 gene, results from a C to T substitution at nucleotide position 3518. The threonine at codon 1173 is replaced by methionine, an amino acid with similar properties. This amino acid position is conserved. In addition, the in silico prediction for this alteration is inconclusive. Since supporting evidence is limited at this time, the clinical significance of this alteration remains unclear.

NM_001089.3(ABCA3):c.3518C>T (p.Thr1173Met)

Gene: ABCA3 (ATP binding cassette subfamily A member 3; minus strand). Cytogenetic location: 16p13.3.
Variant type: single nucleotide variant.
Coding change: c.3518C>T on transcript NM_001089.3 (MANE Select); coding-DNA position 3518, C replaced by T.
Protein change: p.Thr1173Met; replaces threonine 1173 with methionine.
Molecular consequence: missense variant.
Genome position (GRCh38, 1-based): chr16:2,284,964, G>A on the plus strand (C>T on the coding strand, the complement: ABCA3 is on the minus strand). VCF-style: chr16-2284964-G-A. GRCh37 (hg19) VCF-style: chr16-2334965-G-A.
Other names: short protein forms T1173M.
Identifiers: ClinVar variation 1732222 (VCV001732222.6), dbSNP rs117360590, ClinGen allele CA7840473.